The following is an entry in ClinVar:

ClinVar aggregate classification (germline): Likely benign (0 of 4 stars; one submission).

Conditions:
NAF1-related disorder. Also called: NAF1-related condition.

Allele frequency attached by ClinVar (database versions not stated): gnomAD exomes 0.00001.
gnomAD v4.1: 4 of 1,604,104 alleles (0.00025%); highest among the groups gnomAD compares: South Asian, 0.0044%; 1 homozygote.

Submission:

PreventionGenetics, part of Exact Sciences
Classification: Likely benign for NAF1-related condition. Last evaluated: 2020-12-17. Review status: no assertion criteria provided. Collection method: clinical testing. Allele origin: germline.
Comment: This variant is classified as likely benign based on ACMG/AMP sequence variant interpretation guidelines (Richards et al. 2015 PMID: 25741868, with internal and published modifications).

NM_138386.3(NAF1):c.261T>G (p.Ala87=)

Gene: NAF1 (nuclear assembly factor 1 ribonucleoprotein; minus strand). Cytogenetic location: 4q32.2.
Variant type: single nucleotide variant.
Coding change: c.261T>G on transcript NM_138386.3 (MANE Select); coding-DNA position 261, T replaced by G.
Protein change: p.Ala87=; no amino-acid change (alanine 87 retained).
Molecular consequence: synonymous variant.
Genome position (GRCh38, 1-based): chr4:163,166,467, A>C on the plus strand (T>G on the coding strand, the complement: NAF1 is on the minus strand). VCF-style: chr4-163166467-A-C. GRCh37 (hg19) VCF-style: chr4-164087619-A-C.
Other names: c.261T>G, p.Ala87= (NM_001128931.2).
Identifiers: ClinVar variation 3030766 (VCV003030766.2), dbSNP rs1732474449, ClinGen allele CA442271509.